The following is an entry in ClinVar:

ClinVar aggregate classification (germline): Benign (1 of 4 stars; one submission).

Allele frequency attached by ClinVar (database versions not stated): gnomAD exomes 0.00250; gnomAD 0.02533 and 0.02734; 1000 Genomes Project 0.02835; TOPMed 0.02866; 1000 Genomes Project 30x 0.03123.
gnomAD v4.1: 5,380 of 725,944 alleles (0.74%); highest among the groups gnomAD compares: African/African-American, 8.5%; 201 homozygotes.

Submission:

GeneDx
Classification: Benign. Last evaluated: 2018-06-14. Review status: criteria provided, single submitter. Criteria: GeneDx Variant Classification (06012015). Collection method: clinical testing. Allele origin: germline. Affected: yes.
Comment: This variant is considered likely benign or benign based on one or more of the following criteria: it is a conservative change, it occurs at a poorly conserved position in the protein, it is predicted to be benign by multiple in silico algorithms, and/or has population frequency not consistent with disease.

NM_007208.4(MRPL3):c.277+147T>A

Gene: MRPL3 (mitochondrial ribosomal protein L3; minus strand). Cytogenetic location: 3q22.1.
Variant type: single nucleotide variant.
Coding change: c.277+147T>A on transcript NM_007208.4 (MANE Select); 147 bases into the intron after coding-DNA position 277, T replaced by A.
Molecular consequence: intron variant.
Genome position (GRCh38, 1-based): chr3:131,501,384, A>T on the plus strand (T>A on the coding strand, the complement: MRPL3 is on the minus strand). VCF-style: chr3-131501384-A-T. GRCh37 (hg19) VCF-style: chr3-131220228-A-T.
Identifiers: ClinVar variation 676830 (VCV000676830.1), dbSNP rs76447680, ClinGen allele CA83516957.